The following is an entry in ClinVar:

ClinVar aggregate classification (germline): Uncertain significance. Review status: criteria provided, multiple submitters, no conflicts (2 of 4 stars). 3 submissions from 3 submitters: Uncertain significance (2). 1 of the submissions does not count toward it. Last evaluated 2019-07-08.

Conditions:
Hereditary cancer-predisposing syndrome. Also called: Hereditary Cancer Syndrome; Hereditary neoplastic syndrome; Neoplastic Syndromes, Hereditary; Tumor predisposition. Identifiers: Orphanet 140162, MedGen C0027672, MeSH D009386, MONDO:0015356.
Breast-ovarian cancer, familial, susceptibility to, 1 (BROVCA1). Also called: BRCA1 Hereditary Breast and Ovarian Cancer; OVARIAN CANCER, SUSCEPTIBILITY TO. Identifiers: Orphanet 145, MedGen C2676676, MONDO:0011450, OMIM 604370. Disease mechanism: loss of function.

Submissions (3):

Color Diagnostics, LLC DBA Color Health
Classification: Uncertain significance for Hereditary cancer-predisposing syndrome. Last evaluated: 2019-07-08. Review status: criteria provided, single submitter. Criteria: ACMG Guidelines, 2015. Collection method: clinical testing. Allele origin: germline.
Comment: This missense variant replaces proline with serine at codon 1469 of the BRCA1 protein. Computational prediction tools and conservation analyses are inconclusive regarding the impact of this variant on the protein function. Computational splicing tools suggest that this variant may not impact RNA splicing. This variant has been observed in an individual affected with breast cancer (PMID 12491499). To our knowledge, functional assays have not been performed for this variant. This variant has not been identified in the general population by the Genome Aggregation Database (gnomAD). The available evidence is insufficient to determine the role of this variant in disease conclusively. Therefore, this variant is classified as a Variant of Uncertain Significance.

Ambry Genetics
Classification: Uncertain significance for Hereditary cancer-predisposing syndrome. Last evaluated: 2014-03-04. Review status: criteria provided, single submitter. Criteria: Ambry Autosomal Dominant and X-Linked criteria (10/2015). Collection method: clinical testing. Allele origin: germline. Observed: 1 variant allele.
Comment: The p.P1469S variant (also known as c.4405C>T or4524C>T), located in coding exon 12 of the BRCA1 gene, results from a C to T substitution at nucleotide position 4405. The proline at codon 1469 is replaced by serine, an amino acid with similar properties. This variant was previously reported in the SNPDatabase as rs80356960.This variant was not reported in population-based cohorts in the following databases: NHLBI Exome Sequencing Project (ESP) and 1000 Genomes Project.This amino acid position is not well conserved in available vertebrate species. In addition, this alteration is predicted to be benign and deleterious by PolyPhen and SIFT in silico analyses, respectively.Since supporting evidence is limited at this time, the clinical significance ofp.P1469Sremains unclear.

Breast Cancer Information Core (BIC) (BRCA1)
Classification: Uncertain significance for Breast-ovarian cancer, familial 1. Review status: no assertion criteria provided. Collection method: clinical testing. Allele origin: germline. Affected: yes. Observed: 1 variant allele. Not counted in ClinVar's aggregate classification.

NM_007294.4(BRCA1):c.4405C>T (p.Pro1469Ser)

Gene: BRCA1 (BRCA1 DNA repair associated; minus strand). Cytogenetic location: 17q21.31.
Variant type: single nucleotide variant.
Coding change: c.4405C>T on transcript NM_007294.4 (MANE Select); coding-DNA position 4405, C replaced by T.
Protein change: p.Pro1469Ser; replaces proline 1469 with serine.
Molecular consequence: missense variant. On other transcripts: non-coding transcript variant (1).
Genome position (GRCh38, 1-based): chr17:43,076,567, G>A on the plus strand (C>T on the coding strand, the complement: BRCA1 is on the minus strand). VCF-style: chr17-43076567-G-A. GRCh37 (hg19) VCF-style: chr17-41228584-G-A.
Other names: c.4258C>T, p.Pro1420Ser (NM_001407852.1, NM_001407853.1, NM_001407838.1 and 12 more transcripts); c.4405C>T, p.Pro1469Ser (NM_001407854.1, NM_001407596.1, NM_001407597.1 and 8 more transcripts); c.4402C>T, p.Pro1468Ser (NM_001407858.1, NM_001407859.1, NM_001407860.1 and 17 more transcripts); c.4399C>T, p.Pro1467Ser (NM_001407861.1, NM_001407627.1, NM_001407628.1 and 14 more transcripts); c.4204C>T, p.Pro1402Ser (NM_001407862.1); c.4279C>T, p.Pro1427Ser (NM_001407863.1, NM_001407670.1, NM_001407671.1 and 11 more transcripts); c.4198C>T, p.Pro1400Ser (NM_001407874.1, NM_001407875.1); c.4396C>T, p.Pro1466Ser (NM_001407644.1, NM_001407645.1); and 68 more; short protein forms P1469S, P1422S, P1490S, P365S, P1172S, P1356S, P1443S, P1465S.
Identifiers: ClinVar variation 55194 (VCV000055194.8), dbSNP rs80356960, ClinGen allele CA002828.